The following is an entry in ClinVar:

ClinVar aggregate classification (germline): Uncertain significance (1 of 4 stars; one submission).

Conditions:
Atypical hemolytic-uremic syndrome with I factor anomaly. Also called: HEMOLYTIC UREMIC SYNDROME, ATYPICAL, SUSCEPTIBILITY TO, 3; AHUS, SUSCEPTIBILITY TO, 3. Identifiers: Orphanet 2134, MedGen C2752039, MONDO:0013041, OMIM 612923.

Submission:

Victorian Clinical Genetics Services, Murdoch Childrens Research Institute
Classification: Uncertain significance for Atypical hemolytic-uremic syndrome with I factor anomaly. Last evaluated: 2024-12-18. Review status: criteria provided, single submitter. Criteria: ACMG Guidelines, 2015. Collection method: clinical testing. Allele origin: germline. Affected: yes.
Comment: This variant is classified as VUS-3A. Evidence in support of pathogenic classification: Variant is absent from gnomAD (v2, v3 and v4); Missense variant predicted to be damaging by in silico tool(s) or highly conserved with a major amino acid change. Additional information: Variant is predicted to result in a missense amino acid change from cysteine to phenylalanine; This variant is heterozygous; This gene is associated with both recessive and dominant disease. Biallelic variants are associated with complement factor I deficiency (MIM#610984), whilst heterozygous variants are associated with susceptibility to age-related macular degeneration (MIM#615439) and atypical haemolytic uremic syndrome (MIM#612923/MONDO:0016244); Alternative amino acid change(s) at the same position are present in gnomAD (Highest allele count: v4: 8 heterozygote(s), 0 homozygote(s)) ; This variant has no previous evidence of pathogenicity; No published segregation evidence has been identified for this variant; No published functional evidence has been identified for this variant; Another missense variant(s) comparable to the one identified in this case has inconclusive previous evidence for pathogenicity. p.(Cys467Arg) has been reported in individuals with age-related macular degeneration in the literature (PMID: 24036952, 32510551), and classified as a VUS by clinical laboratories (ClinVar); Variant is located in the annotated trypsin domain (DECIPHER) and disrupts an annotated disulphide bond; Loss of function is a known mechanism of disease in this gene and is associated with complement factor I deficiency (MIM#610984) and susceptibility to atypical haemolytic uremic syndrome 3 (MIM#612923)/atypical haemolytic-uremic syndrome (MONDO:0016244); The condition associated with this gene has incomplete penetrance. Autosomal dominant atypical haemolytic uremic syndrome is known to have reduced penetrance (PMID: 20301541); Variants in this gene are known to have variable expressivity. variable severity and age of onset are reported for atypical haemolytic uremic syndrome (PMID: 20301541); Inheritance information for this variant is not currently available in this individual.

Literature cited by the submitters: PubMed 20301541; PubMed 32510551; PubMed 24036952.

NM_000204.5(CFI):c.1400G>T (p.Cys467Phe)

Gene: CFI (complement factor I; minus strand). Cytogenetic location: 4q25.
Variant type: single nucleotide variant.
Coding change: c.1400G>T on transcript NM_000204.5 (MANE Select); coding-DNA position 1400, G replaced by T.
Protein change: p.Cys467Phe; replaces cysteine 467 with phenylalanine.
Molecular consequence: missense variant. On other transcripts: non-coding transcript variant (2).
Genome position (GRCh38, 1-based): chr4:109,746,251, C>A on the plus strand (G>T on the coding strand, the complement: CFI is on the minus strand). VCF-style: chr4-109746251-C-A. GRCh37 (hg19) VCF-style: chr4-110667407-C-A.
Other names: c.1421G>T, p.Cys474Phe (NM_001440986.1, NM_001440985.1); c.1424G>T, p.Cys475Phe (NM_001440988.1, NM_001318057.2, NM_001375278.1); c.1400G>T, p.Cys467Phe (NM_001440989.1, NM_001375279.1, NM_001375281.1); c.1379G>T, p.Cys460Phe (NM_001440991.1, NM_001331035.2, NM_001375280.1 and 1 more transcripts); c.1343G>T, p.Cys448Phe (NM_001375283.1); c.791G>T, p.Cys264Phe (NM_001375284.1); short protein forms C264F, C448F, C460F, C467F, C474F, C475F.
Identifiers: ClinVar variation 4531919 (VCV004531919.1).